The following is an entry in ClinVar:

NM_001170629.2(CHD8):c.4649A>T (p.Asp1550Val)

Gene: CHD8 (chromodomain helicase DNA binding protein 8; minus strand). Cytogenetic location: 14q11.2.
Variant type: single nucleotide variant.
Coding change: c.4649A>T on transcript NM_001170629.2 (MANE Select); coding-DNA position 4649, A replaced by T.
Protein change: p.Asp1550Val; replaces aspartic acid 1550 with valine.
Molecular consequence: missense variant.
Genome position (GRCh38, 1-based): chr14:21,400,229, T>A on the plus strand (A>T on the coding strand, the complement: CHD8 is on the minus strand). VCF-style: chr14-21400229-T-A. GRCh37 (hg19) VCF-style: chr14-21868388-T-A.
Other names: c.3812A>T, p.Asp1271Val (NM_020920.4); short protein forms D1271V, D1550V.
Identifiers: ClinVar variation 3614343 (VCV003614343.2).
Genomic context (GRCh38, chr14:21,400,229, plus strand): 5'-AAGTGCTTCTTATAACTTTCATCTTGGAACAAAGTGTCAGGGTTATATTTCCGGATCCAA[T>A]CTGCCTTATGGATATCAAAAGTGCTTTGTGACTTTACTTTTTTTCCTTTGCGTCCACGAG-3'
Protein context (NP_001164100.1, residues 1540-1560): SQSTFDIHKA[Asp1550Val]WIRKYNPDTL

ClinVar aggregate classification (germline): Uncertain significance (1 of 4 stars; one submission).

gnomAD v4.1: 3 of 1,613,966 alleles (0.00019%); highest among the groups gnomAD compares: Non-Finnish European, 0.00017%; no homozygotes.

Submission:

Labcorp Genetics (formerly Invitae), Labcorp
Classification: Uncertain significance. Last evaluated: 2024-09-04. Review status: criteria provided, single submitter. Criteria: Invitae Variant Classification Sherloc (09022015). Collection method: clinical testing. Allele origin: germline.
Comment: This sequence change replaces aspartic acid, which is acidic and polar, with valine, which is neutral and non-polar, at codon 1550 of the CHD8 protein (p.Asp1550Val). This variant is not present in population databases (gnomAD no frequency). This variant has not been reported in the literature in individuals affected with CHD8-related conditions. Invitae Evidence Modeling of protein sequence and biophysical properties (such as structural, functional, and spatial information, amino acid conservation, physicochemical variation, residue mobility, and thermodynamic stability) indicates that this missense variant is not expected to disrupt CHD8 protein function with a negative predictive value of 80%. In summary, the available evidence is currently insufficient to determine the role of this variant in disease. Therefore, it has been classified as a Variant of Uncertain Significance.